The following is an entry in ClinVar:

ClinVar aggregate classification (germline): Uncertain significance (1 of 4 stars; one submission).

Conditions:
Inborn genetic diseases. Identifiers: MedGen C0950123, MeSH D030342.

Submission:

Ambry Genetics
Classification: Uncertain significance for Inborn genetic diseases. Last evaluated: 2025-11-11. Review status: criteria provided, single submitter. Criteria: Ambry Variant Classification Scheme 2023. Collection method: clinical testing. Allele origin: germline.
Comment: The p.A198P variant (also known as c.592G>C), located in coding exon 4 of the KDM1A gene, results from a G to C substitution at nucleotide position 592. The alanine at codon 198 is replaced by proline, an amino acid with highly similar properties. This amino acid position is conserved. In addition, this alteration is predicted to be deleterious by in silico analysis. Based on the available evidence, the clinical significance of this variant remains unclear.

NM_001009999.3(KDM1A):c.592G>C (p.Ala198Pro)

Gene: KDM1A (lysine demethylase 1A; plus strand). Cytogenetic location: 1p36.12.
Variant type: single nucleotide variant.
Coding change: c.592G>C on transcript NM_001009999.3 (MANE Select); coding-DNA position 592, G replaced by C.
Protein change: p.Ala198Pro; replaces alanine 198 with proline.
Molecular consequence: missense variant.
Genome position (GRCh38, 1-based): chr1:23,050,401, G>C. VCF-style: chr1-23050401-G-C. GRCh37 (hg19) VCF-style: chr1-23376894-G-C.
Other names: c.532G>C, p.Ala178Pro (NM_001363654.2, NM_001410763.1, NM_015013.4); c.592G>C, p.Ala198Pro (NM_001410762.1); short protein forms A178P, A198P.
Identifiers: ClinVar variation 4622706 (VCV004622706.1).